The following is an entry in ClinVar:

ClinVar aggregate classification (germline): Likely benign. Review status: criteria provided, multiple submitters, no conflicts (2 of 4 stars). 3 submissions from 3 submitters: Likely benign (3). Last evaluated 2024-03-02.

Conditions:
Hereditary cancer-predisposing syndrome. Also called: Tumor predisposition; Hereditary neoplastic syndrome; Neoplastic Syndromes, Hereditary; Hereditary Cancer Syndrome. Identifiers: Orphanet 140162, MedGen C0027672, MeSH D009386, MONDO:0015356.
Familial cancer of breast. Also called: BREAST CANCER, FAMILIAL; hereditary breast carcinoma; Hereditary breast cancer. Identifiers: Orphanet 227535, MedGen C0346153, MONDO:0016419, OMIM 114480. Disease mechanism: loss of function.

Submissions (3):

Labcorp Genetics (formerly Invitae), Labcorp
Classification: Likely benign for Familial cancer of breast. Last evaluated: 2024-03-02. Review status: criteria provided, single submitter. Criteria: Invitae Variant Classification Sherloc (09022015). Collection method: clinical testing. Allele origin: germline.

Color Diagnostics, LLC DBA Color Health
Classification: Likely benign for Hereditary cancer-predisposing syndrome. Last evaluated: 2022-05-09. Review status: criteria provided, single submitter. Criteria: ACMG Guidelines, 2015. Collection method: clinical testing. Allele origin: germline.

GeneDx
Classification: Likely benign. Last evaluated: 2017-04-21. Review status: criteria provided, single submitter. Criteria: GeneDx Variant Classification (06012015). Collection method: clinical testing. Allele origin: germline. Affected: yes.
Comment: This variant is considered likely benign or benign based on one or more of the following criteria: it is a conservative change, it occurs at a poorly conserved position in the protein, it is predicted to be benign by multiple in silico algorithms, and/or has population frequency not consistent with disease.

NM_024675.4(PALB2):c.109-7C>A

Gene: PALB2 (partner and localizer of BRCA2; minus strand). Cytogenetic location: 16p12.2.
Variant type: single nucleotide variant.
Coding change: c.109-7C>A on transcript NM_024675.4 (MANE Select); 7 bases into the intron before coding-DNA position 109, C replaced by A.
Molecular consequence: intron variant.
Genome position (GRCh38, 1-based): chr16:23,637,959, G>T on the plus strand (C>A on the coding strand, the complement: PALB2 is on the minus strand). VCF-style: chr16-23637959-G-T. GRCh37 (hg19) VCF-style: chr16-23649280-G-T.
Identifiers: ClinVar variation 516436 (VCV000516436.11), dbSNP rs368705933, ClinGen allele CA658798568.